The following is an entry in ClinVar:

ClinVar aggregate classification (germline): Uncertain significance (1 of 4 stars; one submission).

Submission:

Labcorp Genetics (formerly Invitae), Labcorp
Classification: Uncertain significance. Last evaluated: 2024-11-26. Review status: criteria provided, single submitter. Criteria: Invitae Variant Classification Sherloc (09022015). Collection method: clinical testing. Allele origin: germline.
Comment: This sequence change replaces tyrosine, which is neutral and polar, with histidine, which is basic and polar, at codon 271 of the PPP1CB protein (p.Tyr271His). This variant is not present in population databases (gnomAD no frequency). This variant has not been reported in the literature in individuals affected with PPP1CB-related conditions. Invitae Evidence Modeling of protein sequence and biophysical properties (such as structural, functional, and spatial information, amino acid conservation, physicochemical variation, residue mobility, and thermodynamic stability) indicates that this missense variant is expected to disrupt PPP1CB protein function with a positive predictive value of 80%. In summary, the available evidence is currently insufficient to determine the role of this variant in disease. Therefore, it has been classified as a Variant of Uncertain Significance.

NM_002709.3(PPP1CB):c.811T>C (p.Tyr271His)

Gene: PPP1CB (protein phosphatase 1 catalytic subunit beta; plus strand). Cytogenetic location: 2p23.2.
Variant type: single nucleotide variant.
Coding change: c.811T>C on transcript NM_002709.3 (MANE Select); coding-DNA position 811, T replaced by C.
Protein change: p.Tyr271His; replaces tyrosine 271 with histidine.
Molecular consequence: missense variant.
Genome position (GRCh38, 1-based): chr2:28,793,929, T>C. VCF-style: chr2-28793929-T-C. GRCh37 (hg19) VCF-style: chr2-29016795-T-C.
Other names: c.811T>C, p.Tyr271His (NM_206876.2); short protein forms Y271H.
Identifiers: ClinVar variation 3714285 (VCV003714285.2).